The following is an entry in ClinVar:

ClinVar aggregate classification (germline): Uncertain significance (1 of 4 stars; one submission).

Submission:

GeneDx
Classification: Uncertain significance. Last evaluated: 2022-09-21. Review status: criteria provided, single submitter. Criteria: GeneDx Variant Classification Process June 2021. Collection method: clinical testing. Allele origin: germline. Affected: yes.
Comment: Not observed at significant frequency in large population cohorts (gnomAD); Has not been previously published as pathogenic or benign to our knowledge; Frameshift variant predicted to result in protein truncation, as the last 431 amino acids are replaced with one different amino acid

NM_021784.5(FOXA2):c.96del (p.Ser33fs)

Gene: FOXA2 (forkhead box A2; minus strand). Cytogenetic location: 20p11.21.
Variant type: Deletion.
Coding change: c.96del on transcript NM_021784.5 (MANE Select); coding-DNA position 96, one base deleted (C; older notation c.96delC).
Protein change: p.Ser33fs; shifts the reading frame from serine 33.
Molecular consequence: frameshift variant.
Genome position (GRCh38, 1-based): chr20:22,583,146, G deleted on the plus strand (C on the coding strand, the reverse complement: FOXA2 is on the minus strand); the first of 2 consecutive G bases (chr20:22,583,146-22,583,147); deleting either gives the same sequence. VCF-style (leftmost placement, unchanged base first): chr20-22583145-AG-A. GRCh37 (hg19) VCF-style: chr20-22563783-AG-A.
Other names: c.78del, p.Ser27fs (NM_153675.3); short protein forms S27fs, S33fs.
Identifiers: ClinVar variation 2446099 (VCV002446099.1), dbSNP rs2514814562, ClinGen allele CA2580098045.
Genomic context (GRCh38, chr20:22,583,145, plus strand): 5'-ACATGCTCATGTACGTGTTCATGCCGTTCATCCCCAGGCCGGCGTTCATGTTGCTCACGG[AG>A]GAGTAGCCCTGCGGACAGAGCCCCGGGAGGGAGGCGACAGCGTTAGCACCGCGGCTGGAG-3'